The following is an entry in ClinVar:

GRCh37/hg19 6p21.33(chr6:30944923-31867966)x1

Genes: ABHD16A (abhydrolase domain containing 16A, phospholipase; minus strand), AIF1 (allograft inflammatory factor 1; plus strand), APOM (apolipoprotein M; plus strand), ATP6V1G2 (ATPase H+ transporting V1 subunit G2; minus strand), BAG6 (BAG cochaperone 6; minus strand) and 50 more. Cytogenetic location: 6p21.33.
Variant type: copy number loss.
Change: copy number 1 (one copy instead of two) of chr6:30,944,923-31,867,966 (923.0 kb, GRCh37 coordinates, 1-based), cytogenetic band 6p21.33.
Identifiers: ClinVar variation 4682662 (VCV004682662.1).

ClinVar aggregate classification (germline): Likely pathogenic (1 of 4 stars; one submission).

Submission:

Quest Diagnostics Nichols Institute San Juan Capistrano
Classification: Likely pathogenic. Last evaluated: 2025-04-30. Review status: criteria provided, single submitter. Criteria: ACMG/ClinGen CNV Guidelines, 2019. Collection method: clinical testing. Allele origin: unknown.
Comment: This deletion involves at least 54 protein-coding genes, including CDSN (OMIM 602593) and CSNK2B (OMIM 115441). Heterozygous deletions involving CSNK2B have been reported in individuals with various phenotypes (Demidov 2024, Ohashi 2021, Zhang 2024, Zhang 2022). Heterozygous pathogenic variants of CSNK2B are associated with autosomal dominant Poirier-Bienvenu neurodevelopmental syndrome (OMIM 618732). Additionally, heterozygous nonsense variants of CDSN are associated with autosomal dominant hypotrichosis-2 (OMIM 146520). There are no similar, but multiple smaller, overlapping copy number losses of this region in the general populations of the Database of Genomic Variants. Therefore, based on gene content and current medical literature, this copy number variant (CNV) is classified as likely pathogenic with variable expressivity. References: Demidov et al., Eur J Hum Genet. 2024 Aug;32(8):998-1004. PMID: 38822122 Ohashi et al., Clin Dysmorphol. 2021 Jul 1;30(3):139-141. PMID: 33758130 Zhang et al., Front Med (Lausanne). 2024 Oct 18:11:1441573. PMID: 39493709 Zhang et al., Zhonghua Yi Xue Yi Chuan Xue Za Zhi. 2022 May 10;39(5):484-487. PMID: 35598262